The following is an entry in ClinVar:

ClinVar aggregate classification (germline): Benign. Review status: criteria provided, single submitter (1 of 4 stars). 2 submissions from 2 submitters: Benign (1). 1 of the submissions does not count toward it. Last evaluated 2026-01-23.

Conditions:
Primary ciliary dyskinesia. Also called: Ciliary dyskinesia. Identifiers: Orphanet 244, MedGen C0008780, MONDO:0016575, HP:0012265.
DNAH8-related disorder. Also called: DNAH8-related condition.

Allele frequency attached by ClinVar (database versions not stated): gnomAD exomes 0.00034 and 0.00091; ExAC 0.00115; gnomAD 0.00398 and 0.00421; TOPMed 0.00404; ESP Exome Variant Server 0.00500; 1000 Genomes Project 0.00519; 1000 Genomes Project 30x 0.00531.
gnomAD v4.1: 1,109 of 1,614,066 alleles (0.069%); highest among the groups gnomAD compares: African/African-American, 1.3%; 8 homozygotes.

Submissions (2):

Labcorp Genetics (formerly Invitae), Labcorp
Classification: Benign for Primary ciliary dyskinesia. Last evaluated: 2026-01-23. Review status: criteria provided, single submitter. Criteria: Invitae Variant Classification Sherloc (09022015). Collection method: clinical testing. Allele origin: germline.

PreventionGenetics, part of Exact Sciences
Classification: Likely benign for DNAH8-related condition. Last evaluated: 2019-12-05. Review status: no assertion criteria provided. Collection method: clinical testing. Allele origin: germline. Not counted in ClinVar's aggregate classification.
Comment: This variant is classified as likely benign based on ACMG/AMP sequence variant interpretation guidelines (Richards et al. 2015 PMID: 25741868, with internal and published modifications).

NM_001206927.2(DNAH8):c.8338A>G (p.Ile2780Val)

Gene: DNAH8 (dynein axonemal heavy chain 8; plus strand). Cytogenetic location: 6p21.2.
Variant type: single nucleotide variant.
Coding change: c.8338A>G on transcript NM_001206927.2 (MANE Select); coding-DNA position 8338, A replaced by G.
Protein change: p.Ile2780Val; replaces isoleucine 2780 with valine.
Molecular consequence: missense variant.
Genome position (GRCh38, 1-based): chr6:38,886,869, A>G. VCF-style: chr6-38886869-A-G. GRCh37 (hg19) VCF-style: chr6-38854645-A-G.
Other names: c.7687A>G, p.Ile2563Val (NM_001371.4); short protein forms I2780V, I2563V.
Identifiers: ClinVar variation 414383 (VCV000414383.13), dbSNP rs116401640, ClinGen allele CA3790163.
Genomic context (GRCh38, chr6:38,886,869, plus strand): 5'-CGACAGATGATGGAAATGGAAGGAATGTACAGCTTGGACAAGCCTGGAGACTTCACTACT[A>G]TTGTTGATGTGCAGCTCATAGCAGCAATGATCCACCCTGGAGGTGGTCGAAATGATATTC-3'
Protein context (NP_001193856.1, residues 2770-2790): SLDKPGDFTT[Ile2780Val]VDVQLIAAMI